The following is an entry in ClinVar:

NM_001165963.4(SCN1A):c.1972del (p.Ser658fs)

Gene: SCN1A (sodium voltage-gated channel alpha subunit 1; minus strand). Cytogenetic location: 2q24.3.
Variant type: Deletion.
Coding change: c.1972del on transcript NM_001165963.4 (MANE Select); coding-DNA position 1972, one base deleted (T; older notation c.1972delT).
Protein change: p.Ser658fs; shifts the reading frame from serine 658.
Molecular consequence: frameshift variant. On other transcripts: 5 prime UTR variant (1), non-coding transcript variant (1), intron variant (4).
Genome position (GRCh38, 1-based): chr2:166,043,740, A deleted on the plus strand (T on the coding strand, the reverse complement: SCN1A is on the minus strand); the first of 2 consecutive A bases (chr2:166,043,740-166,043,741); deleting either gives the same sequence. VCF-style (leftmost placement, unchanged base first): chr2-166043739-GA-G. GRCh37 (hg19) VCF-style: chr2-166900249-GA-G.
Other names: c.1972del, p.Ser658fs (NM_001202435.3, NM_001353948.2, NM_001353949.2 and 4 more transcripts); c.1969del, p.Ser657fs (NM_001353954.2, NM_001353955.2); c.-454del (NM_001353961.2); c.1959+13del (NM_001353958.2, NM_001353957.2, NM_001165964.3); c.1956+13del (NM_001353960.2); short protein forms S657fs, S658fs.
Identifiers: ClinVar variation 1073684 (VCV001073684.8), dbSNP rs2105841828, ClinGen allele CA2499215200.

ClinVar aggregate classification (germline): Pathogenic (1 of 4 stars; one submission).

Conditions:
Early-infantile DEE. Also called: Ohtahara syndrome; Early infantile epileptic encephalopathy with suppression bursts; Early infantile epileptic encephalopathy. Identifiers: Orphanet 1934, MedGen C0393706, MONDO:0800491.

Submission:

Labcorp Genetics (formerly Invitae), Labcorp
Classification: Pathogenic for Early-infantile DEE. Last evaluated: 2022-11-28. Review status: criteria provided, single submitter. Criteria: Invitae Variant Classification Sherloc (09022015). Collection method: clinical testing. Allele origin: germline.
Comment: For these reasons, this variant has been classified as Pathogenic. This sequence change creates a premature translational stop signal (p.Ser658Glnfs*14) in the SCN1A gene. It is expected to result in an absent or disrupted protein product. Loss-of-function variants in SCN1A are known to be pathogenic (PMID: 17347258, 18930999). This variant is not present in population databases (gnomAD no frequency). This variant has not been reported in the literature in individuals affected with SCN1A-related conditions. ClinVar contains an entry for this variant (Variation ID: 1073684).

Literature cited by the submitters: PubMed 17347258; PubMed 18930999.